The following is an entry in ClinVar:

NM_003000.3(SDHB):c.70C>T (p.Gln24Ter)

Genes: SDHB (succinate dehydrogenase complex iron sulfur subunit B; minus strand), LOC129929542 (ATAC-STARR-seq lymphoblastoid active region 277; plus strand). Cytogenetic location: 1p36.13.
Variant type: single nucleotide variant.
Coding change: c.70C>T on transcript NM_003000.3 (MANE Select); coding-DNA position 70, C replaced by T.
Protein change: p.Gln24Ter; replaces glutamine 24 with a stop codon.
Molecular consequence: nonsense.
Genome position (GRCh38, 1-based): chr1:17,053,950, G>A on the plus strand (C>T on the coding strand, the complement: SDHB is on the minus strand). VCF-style: chr1-17053950-G-A. GRCh37 (hg19) VCF-style: chr1-17380445-G-A.
Other names: short protein forms Q24*.
Identifiers: ClinVar variation 664893 (VCV000664893.8), dbSNP rs1570963430, ClinGen allele CA338230595.

ClinVar aggregate classification (germline): Pathogenic. Review status: criteria provided, multiple submitters, no conflicts (2 of 4 stars). 2 submissions from 2 submitters: Pathogenic (2). Last evaluated 2018-11-27.

Conditions:
Pheochromocytoma/paraganglioma syndrome 4. Also called: PARAGANGLIOMA, FAMILIAL MALIGNANT; PARAGANGLIOMAS, HEREDITARY EXTRAADRENAL; PHEOCHROMOCYTOMA, FAMILIAL EXTRAADRENAL; CAROTID BODY TUMORS AND MULTIPLE EXTRAADRENAL PHEOCHROMOCYTOMAS; SDHB-Related Hereditary Paraganglioma-Pheochromocytoma Syndrome; SDHB-Related Hereditary Paraganglioma-Pheochromocytoma Syndrome (Paragangliomas 4). Identifiers: Orphanet 29072, MedGen C1861848, MONDO:0007273, OMIM 115310.
Pheochromocytoma. Also called: MAX-Related Hereditary Paraganglioma-Pheochromocytoma Syndrome. Identifiers: Orphanet 29072, MedGen C0031511, MONDO:0008233, OMIM 171300, HP:0002666.
Gastrointestinal stromal tumor. Also called: Gastrointestinal stromal tumor, somatic; Gastrointestinal stroma tumor. Identifiers: Orphanet 44890, MedGen C0238198, MeSH D046152, MONDO:0011719, OMIM 606764, HP:0100723.

Submissions (2):

Labcorp Genetics (formerly Invitae), Labcorp
Classification: Pathogenic for Gastrointestinal stromal tumor; Pheochromocytoma/paraganglioma syndrome 4; Pheochromocytoma. Last evaluated: 2018-11-27. Review status: criteria provided, single submitter. Criteria: Invitae Variant Classification Sherloc (09022015). Collection method: clinical testing. Allele origin: germline.
Comment: For these reasons, this variant has been classified as Pathogenic. Loss-of-function variants in SDHB are known to be pathogenic (PMID: 19454582, 19802898). This variant has been observed in an individual affected with paraganglioma (PMID: 22517554). This variant is not present in population databases (ExAC no frequency). This sequence change creates a premature translational stop signal (p.Gln24*) in the SDHB gene. It is expected to result in an absent or disrupted protein product.

Juno Genomics, Hangzhou Juno Genomics, Inc
Classification: Pathogenic for Pheochromocytoma/paraganglioma syndrome 4. Review status: criteria provided, single submitter. Criteria: ACMG Guidelines, 2015. Collection method: clinical testing. Allele origin: germline.
Comment: Absent from controls (or at extremely low frequency if recessive) in Genome Aggregation Database.;Null variant in a gene where loss of function (LOF) is a known mechanism of disease.;The prevalence of the variant in affected individuals is significantly increased compared to the prevalence in controls.

Literature cited by the submitters: PubMed 19454582 (cited by Labcorp Genetics (formerly Invitae), Labcorp); PubMed 19802898 (cited by Labcorp Genetics (formerly Invitae), Labcorp); PubMed 22517554 (cited by Labcorp Genetics (formerly Invitae), Labcorp).